The following is an entry in ClinVar:

ClinVar aggregate classification (germline): Uncertain significance. Review status: criteria provided, multiple submitters, no conflicts (2 of 4 stars). 2 submissions from 2 submitters: Uncertain significance (2). Last evaluated 2025-08-29.

Conditions:
Wilms tumor 1 (WT1). Also called: Wilms tumor, somatic. Identifiers: Orphanet 654, MedGen CN033288, MONDO:0008679, OMIM 194070.
Inborn genetic diseases. Identifiers: MedGen C0950123, MeSH D030342.

gnomAD v4.1: 1 of 1,614,168 alleles (0.000062%); highest among the groups gnomAD compares: South Asian, 0.0011%; no homozygotes.

Submissions (2):

Ambry Genetics
Classification: Uncertain significance for Inborn genetic diseases. Last evaluated: 2025-08-29. Review status: criteria provided, single submitter. Criteria: Ambry Variant Classification Scheme 2023. Collection method: clinical testing. Allele origin: germline.
Comment: The p.I348N variant (also known as c.1043T>A), located in coding exon 6 of the WT1 gene, results from a T to A substitution at nucleotide position 1043. The isoleucine at codon 348 is replaced by asparagine, an amino acid with dissimilar properties. This amino acid position is conserved. In addition, the in silico prediction for this alteration is inconclusive. Based on the available evidence, the clinical significance of this variant remains unclear.

All of Us Research Program, National Institutes of Health
Classification: Uncertain significance for Wilms tumor 1. Last evaluated: 2024-02-22. Review status: criteria provided, single submitter. Criteria: ACMG Guidelines, 2015. Collection method: clinical testing. Allele origin: germline. Inheritance: Autosomal dominant inheritance. Observed: 1 variant allele, 1 heterozygote.
Comment: This missense variant replaces isoleucine with asparagine at codon 348 of the WT1 protein. Computational prediction suggests that this variant may not impact protein structure and function (internally defined REVEL score threshold <= 0.5, PMID: 27666373). To our knowledge, functional studies have not been reported for this variant. This variant has not been reported in individuals affected with WT1-related disorders in the literature. This variant has been identified in 2/251462 chromosomes in the general population by the Genome Aggregation Database (gnomAD). The available evidence is insufficient to determine the role of this variant in disease conclusively. Therefore, this variant is classified as a Variant of Uncertain Significance.

This study involves interpretation of variants in research participants for the purpose of population health screening. Participant phenotype was not available at the time of variant classification. Additional details can be found in publication PMID: 35346344, PMCID: PMC8962531

NM_024426.6(WT1):c.1058T>A (p.Ile353Asn)

Gene: WT1 (WT1 transcription factor; minus strand). Cytogenetic location: 11p13.
Variant type: single nucleotide variant.
Coding change: c.1058T>A on transcript NM_024426.6 (MANE Select); coding-DNA position 1058, T replaced by A.
Protein change: p.Ile353Asn; replaces isoleucine 353 with asparagine.
Molecular consequence: missense variant. On other transcripts: 5 prime UTR variant (1), non-coding transcript variant (2).
Genome position (GRCh38, 1-based): chr11:32,400,003, A>T on the plus strand (T>A on the coding strand, the complement: WT1 is on the minus strand). VCF-style: chr11-32400003-A-T. GRCh37 (hg19) VCF-style: chr11-32421549-A-T.
Other names: c.1043T>A (NM_024426.4); c.1007T>A, p.Ile336Asn (NM_000378.6, NM_001407045.1, NM_001407048.1 and 1 more transcripts); c.407T>A, p.Ile136Asn (NM_001198551.2); c.356T>A, p.Ile119Asn (NM_001198552.2); c.-131T>A (NM_001367854.1); c.1052T>A, p.Ile351Asn (NM_001407044.1); c.1058T>A, p.Ile353Asn (NM_001407046.1, NM_024424.5); c.935T>A, p.Ile312Asn (NM_001407047.1); and 4 more; short protein forms I119N, I136N, I263N, I280N, I295N, I312N, I336N, I348N.
Identifiers: ClinVar variation 3386198 (VCV003386198.2).